The following is an entry in ClinVar:

NM_004425.4(ECM1):c.1287_1288del (p.Arg430fs)

Gene: ECM1 (extracellular matrix protein 1; plus strand). Cytogenetic location: 1q21.2.
Variant type: Deletion.
Coding change: c.1287_1288del on transcript NM_004425.4 (MANE Select); coding-DNA positions 1287 to 1288, 2 bases deleted (AA; older notation c.1287_1288delAA).
Protein change: p.Arg430fs; shifts the reading frame from arginine 430.
Molecular consequence: frameshift variant.
Genome position (GRCh38, 1-based): chr1:150,512,555-150,512,556, AA deleted; deleting any 2 consecutive bases within chr1:150,512,554-150,512,556 gives the same sequence; the c. name uses the placement nearest the transcript's 3' end. VCF-style (leftmost placement, unchanged base first): chr1-150512553-CAA-C. GRCh37 (hg19) VCF-style: chr1-150485029-CAA-C.
Other names: c.1368_1369del, p.Arg457fs (NM_001202858.2); c.912_913del, p.Arg305fs (NM_022664.3); short protein forms R305fs, R430fs, R457fs.
Identifiers: ClinVar variation 1526253 (VCV001526253.1), dbSNP rs2101440353, ClinGen allele CA2573130998.

ClinVar aggregate classification (germline): Pathogenic (1 of 4 stars; one submission).

Conditions:
Lipid proteinosis. Also called: lipoid proteinosis; HYALINOSIS CUTIS ET MUCOSAE; Lipoid Proteinosis of Urbach and Wiethe; Urbach Wiethe disease. Identifiers: Orphanet 530, MedGen C0023795, MONDO:0009530, OMIM 247100.

Submission:

3billion
Classification: Pathogenic for Lipid proteinosis. Last evaluated: 2022-03-22. Review status: criteria provided, single submitter. Criteria: ACMG Guidelines, 2015. Collection method: clinical testing. Allele origin: germline. Affected: yes. Observed: 1 homozygote.
Comment: Frameshift: predicted to result in a loss or disruption of normal protein function through nonsense-mediated decay (NMD) or protein truncation. Multiple pathogenic variants are reported downstream of the variant. This variant has been reported to be associated with ECM1 related disorder (PMID:28720532). It is not observed in the gnomAD v2.1.1 dataset. Therefore, this variant is classified as pathogenic according to the recommendation of ACMG/AMP guideline.

Literature cited by the submitters: PubMed 28720532.